The following is an entry in ClinVar:

ClinVar aggregate classification (germline): Benign/Likely benign. Review status: criteria provided, multiple submitters, no conflicts (2 of 4 stars). 4 submissions from 4 submitters: Benign (1); Likely benign (3). Last evaluated 2026-04-15.

Conditions:
DICER1-related tumor predisposition. Also called: DICER1-related pleuropulmonary blastoma cancer predisposition syndrome; DICER1 syndrome. Identifiers: Orphanet 284343, MedGen C3839822, MONDO:0100216.
Hereditary cancer-predisposing syndrome. Also called: Hereditary Cancer Syndrome; Neoplastic Syndromes, Hereditary; Hereditary neoplastic syndrome; Tumor predisposition. Identifiers: Orphanet 140162, MedGen C0027672, MeSH D009386, MONDO:0015356.

Allele frequency attached by ClinVar (database versions not stated): TOPMed 0.00002; gnomAD 0.00002.
gnomAD v4.1: 43 of 1,614,056 alleles (0.0027%); highest among the groups gnomAD compares: Non-Finnish European, 0.0036%; no homozygotes.

Submissions (4):

Myriad Genetics, Inc.
Classification: Benign for DICER1-related tumor predisposition. Last evaluated: 2026-04-15. Review status: criteria provided, single submitter. Criteria: Myriad Autosomal Dominant, Autosomal Recessive and X-Linked Classification Criteria (2023). Collection method: clinical testing. Allele origin: unknown.
Comment: This variant is considered benign. This variant is a silent/synonymous amino acid change and it is not expected to impact splicing.

Labcorp Genetics (formerly Invitae), Labcorp
Classification: Likely benign for DICER1-related tumor predisposition. Last evaluated: 2025-10-23. Review status: criteria provided, single submitter. Criteria: Invitae Variant Classification Sherloc (09022015). Collection method: clinical testing. Allele origin: germline.

Center for Genomic Medicine, Rigshospitalet, Copenhagen University Hospital
Classification: Likely benign. Last evaluated: 2025-03-04. Review status: criteria provided, single submitter. Criteria: ACMG Guidelines, 2015. Collection method: clinical testing. Allele origin: germline.

Ambry Genetics
Classification: Likely benign for Hereditary cancer-predisposing syndrome. Last evaluated: 2017-03-24. Review status: criteria provided, single submitter. Criteria: Ambry Variant Classification Scheme 2023. Collection method: clinical testing. Allele origin: germline.

NM_177438.3(DICER1):c.1767G>A (p.Lys589=)

Gene: DICER1 (dicer 1, ribonuclease III; minus strand). Cytogenetic location: 14q32.13.
Variant type: single nucleotide variant.
Coding change: c.1767G>A on transcript NM_177438.3 (MANE Select); coding-DNA position 1767, G replaced by A.
Protein change: p.Lys589=; no amino-acid change (lysine 589 retained).
Molecular consequence: synonymous variant.
Genome position (GRCh38, 1-based): chr14:95,115,807, C>T on the plus strand (G>A on the coding strand, the complement: DICER1 is on the minus strand). VCF-style: chr14-95115807-C-T. GRCh37 (hg19) VCF-style: chr14-95582144-C-T.
Other names: c.1767G>A, p.Lys589= (NM_001195573.1, NM_001271282.3, NM_001291628.2 and 1 more transcripts).
Identifiers: ClinVar variation 417137 (VCV000417137.24), dbSNP rs967583633, ClinGen allele CA16614377.